The following is an entry in ClinVar:

ClinVar aggregate classification (germline): Pathogenic/Likely pathogenic. Review status: criteria provided, multiple submitters, no conflicts (2 of 4 stars). 3 submissions from 3 submitters: Pathogenic (1); Likely pathogenic (1). 1 of the submissions does not count toward it. Last evaluated 2023-11-27.

Conditions:
6-Pyruvoyl-tetrahydrobiopterin synthase deficiency. Also called: Hyperphenylalanemia, BH4-deficient, A; Hyperphenylalaninemia due to 6-pyruvoyl-tetrahydropterin synthase deficiency; BH4-deficient hyperphenylalaninemia A; PTS DEFICIENCY; HYPERPHENYLALANINEMIA, TETRAHYDROBIOPTERIN-DEFICIENT, DUE TO PTS DEFICIENCY; PTS-Related Tetrahydrobiopterin Deficiency. Identifiers: Orphanet 13, Orphanet 238583, MedGen C0878676, MONDO:0009863, OMIM 261640.

Allele frequency attached by ClinVar (database versions not stated): gnomAD exomes below 0.00001.
gnomAD v4.1: 1 of 1,582,860 alleles (0.000063%); highest among the groups gnomAD compares: South Asian, 0.0012%; no homozygotes.

Submissions (3):

Baylor Genetics
Classification: Likely pathogenic for 6-Pyruvoyl-tetrahydrobiopterin synthase deficiency. Last evaluated: 2023-11-27. Review status: criteria provided, single submitter. Criteria: ACMG Guidelines, 2015. Collection method: clinical testing. Allele origin: unknown.

Labcorp Genetics (formerly Invitae), Labcorp
Classification: Pathogenic for 6-Pyruvoyl-tetrahydrobiopterin synthase deficiency. Last evaluated: 2021-03-09. Review status: criteria provided, single submitter. Criteria: Invitae Variant Classification Sherloc (09022015). Collection method: clinical testing. Allele origin: germline.
Comment: For these reasons, this variant has been classified as Pathogenic. This variant disrupts the p.Arg25 amino acid residue in PTS. Other variant(s) that disrupt this residue have been determined to be pathogenic (PMID: 23138986, 9450907). This suggests that this residue is clinically significant, and that variants that disrupt this residue are likely to be disease-causing. Experimental studies have shown that this variant affects PTS protein function (PMID: 8178819). This variant has been observed in individual(s) with biopterin-deficient hyperphenylalaninemia (PMID: 8178819). ClinVar contains an entry for this variant (Variation ID: 476). This variant is not present in population databases (ExAC no frequency). This sequence change replaces arginine with glutamine at codon 25 of the PTS protein (p.Arg25Gln). The arginine residue is highly conserved and there is a small physicochemical difference between arginine and glutamine.

OMIM
Classification: Pathogenic for HYPERPHENYLALANINEMIA, BH4-DEFICIENT, A. Last evaluated: 1994-05-01. Review status: no assertion criteria provided. Collection method: literature only. Allele origin: germline. Not counted in ClinVar's aggregate classification.

Literature cited by the submitters: PubMed 23138986 (cited by Labcorp Genetics (formerly Invitae), Labcorp); PubMed 9450907 (cited by Labcorp Genetics (formerly Invitae), Labcorp); PubMed 8178819 (cited by Labcorp Genetics (formerly Invitae), Labcorp and OMIM).

NM_000317.3(PTS):c.74G>A (p.Arg25Gln)

Genes: PTS (6-pyruvoyltetrahydropterin synthase; plus strand), LOC130006765 (ATAC-STARR-seq lymphoblastoid silent region 3906; plus strand). Cytogenetic location: 11q23.1.
Variant type: single nucleotide variant.
Coding change: c.74G>A on transcript NM_000317.3 (MANE Select); coding-DNA position 74, G replaced by A.
Protein change: p.Arg25Gln; replaces arginine 25 with glutamine.
Molecular consequence: missense variant.
Genome position (GRCh38, 1-based): chr11:112,226,517, G>A. VCF-style: chr11-112226517-G-A. GRCh37 (hg19) VCF-style: chr11-112097240-G-A.
Other names: short protein forms R25Q.
Identifiers: ClinVar variation 476 (VCV000000476.11), dbSNP rs104894273, ClinGen allele CA114316.
Genomic context (GRCh38, chr11:112,226,517, plus strand): 5'-GTGGTGGCCGTCGCTGCCAGGCACAAGTGTCCCGCCGCATCTCCTTCAGCGCGAGCCACC[G>A]ATTGTACAGGTAGGGTGTGCACACAGGTACAGCGGCGGGCGGTGGGCGCCGGGCCCCGGA-3'
Protein context (NP_000308.1, residues 15-35): SRRISFSASH[Arg25Gln]LYSKFLSDEE